The following is an entry in ClinVar:

ClinVar aggregate classification (germline): Uncertain significance (1 of 4 stars; one submission).

Conditions:
Primary ciliary dyskinesia. Also called: Ciliary dyskinesia. Identifiers: Orphanet 244, MedGen C0008780, MONDO:0016575, HP:0012265.

gnomAD v4.1: 4 of 1,157,175 alleles (0.00035%); highest among the groups gnomAD compares: Middle Eastern, 0.054%; no homozygotes.

Submission:

Labcorp Genetics (formerly Invitae), Labcorp
Classification: Uncertain significance for Primary ciliary dyskinesia. Last evaluated: 2025-11-11. Review status: criteria provided, single submitter. Criteria: Invitae Variant Classification Sherloc (09022015). Collection method: clinical testing. Allele origin: germline.
Comment: This sequence change replaces glycine, which is neutral and non-polar, with valine, which is neutral and non-polar, at codon 743 of the RPGR (ORF15) protein (p.Gly743Val). The frequency data for this variant in the population databases is considered unreliable, as metrics indicate poor data quality at this position in the gnomAD database. This variant has not been reported in the literature in individuals affected with RPGR (ORF15)-related conditions. Invitae Evidence Modeling of protein sequence and biophysical properties (such as structural, functional, and spatial information, amino acid conservation, physicochemical variation, residue mobility, and thermodynamic stability) indicates that this missense variant is not expected to disrupt RPGR (ORF15) protein function with a negative predictive value of 95%. In summary, the available evidence is currently insufficient to determine the role of this variant in disease. Therefore, it has been classified as a Variant of Uncertain Significance.

NM_001034853.2(RPGR):c.2228G>T (p.Gly743Val)

Gene: RPGR (retinitis pigmentosa GTPase regulator; minus strand). Cytogenetic location: Xp11.4.
Variant type: single nucleotide variant.
Coding change: c.2228G>T on transcript NM_001034853.2 (MANE Select); coding-DNA position 2228, G replaced by T.
Protein change: p.Gly743Val; replaces glycine 743 with valine.
Molecular consequence: missense variant. On other transcripts: intron variant (8).
Genome position (GRCh38, 1-based): chrX:38,286,771, C>A on the plus strand (G>T on the coding strand, the complement: RPGR is on the minus strand). VCF-style: chrX-38286771-C-A. GRCh37 (hg19) VCF-style: chrX-38146024-C-A.
Other names: c.1569+4188G>T (NM_001367249.1, NM_001367250.1); c.1902+323G>T (NM_001367245.1); c.1386+4188G>T (NM_001367251.1); c.1719+323G>T (NM_001367246.1); c.1572+4188G>T (NM_001367247.1); c.1905+323G>T (NM_000328.3); c.1602+4188G>T (NM_001367248.1); short protein forms G743V.
Identifiers: ClinVar variation 4743493 (VCV004743493.1).
Genomic context (GRCh38, chrX:38,286,771, plus strand): 5'-TCTTCCCCTTCTCCTTCCTCTTTCCCTTCTCCCTCCTTCTCTTCTTCCTCTTCTCTGTCT[C>A]CCTCCTCTTCTTCTCCTTCTCCATGCTCCTCCTCCCCTCCCTCCTCCATCTCTTGGTTTC-3'
Protein context (NP_001030025.1, residues 733-753): EEHGEGEEEE[Gly743Val]DREEEEEKEG